The following is an entry in ClinVar:

NM_020702.5(MYORG):c.1972G>A (p.Asp658Asn)

Gene: MYORG (myogenesis regulating glycosidase; minus strand). Cytogenetic location: 9p13.3.
Variant type: single nucleotide variant.
Coding change: c.1972G>A on transcript NM_020702.5 (MANE Select); coding-DNA position 1972, G replaced by A.
Protein change: p.Asp658Asn; replaces aspartic acid 658 with asparagine.
Molecular consequence: missense variant.
Genome position (GRCh38, 1-based): chr9:34,370,972, C>T on the plus strand (G>A on the coding strand, the complement: MYORG is on the minus strand). VCF-style: chr9-34370972-C-T. GRCh37 (hg19) VCF-style: chr9-34370970-C-T.
Other names: short protein forms D658N.
Identifiers: ClinVar variation 2055920 (VCV002055920.4), dbSNP rs2491648101, ClinGen allele CA373239559.

ClinVar aggregate classification (germline): Uncertain significance (1 of 4 stars; one submission).

Submission:

Labcorp Genetics (formerly Invitae), Labcorp
Classification: Uncertain significance. Last evaluated: 2023-08-24. Review status: criteria provided, single submitter. Criteria: Invitae Variant Classification Sherloc (09022015). Collection method: clinical testing. Allele origin: germline.
Comment: This sequence change replaces aspartic acid, which is acidic and polar, with asparagine, which is neutral and polar, at codon 658 of the KIAA1161 protein (p.Asp658Asn). This variant is not present in population databases (gnomAD no frequency). This variant has not been reported in the literature in individuals affected with KIAA1161-related conditions. ClinVar contains an entry for this variant (Variation ID: 2055920). Advanced modeling of protein sequence and biophysical properties (such as structural, functional, and spatial information, amino acid conservation, physicochemical variation, residue mobility, and thermodynamic stability) performed at Invitae indicates that this missense variant is not expected to disrupt KIAA1161 protein function. In summary, the available evidence is currently insufficient to determine the role of this variant in disease. Therefore, it has been classified as a Variant of Uncertain Significance.